The following is an entry in ClinVar:

NM_001142966.3(GREB1L):c.2903C>T (p.Ala968Val)

Gene: GREB1L (GREB1 like retinoic acid receptor coactivator; plus strand). Cytogenetic location: 18q11.1.
Variant type: single nucleotide variant.
Coding change: c.2903C>T on transcript NM_001142966.3 (MANE Select); coding-DNA position 2903, C replaced by T.
Protein change: p.Ala968Val; replaces alanine 968 with valine.
Molecular consequence: missense variant.
Genome position (GRCh38, 1-based): chr18:21,490,224, C>T. VCF-style: chr18-21490224-C-T. GRCh37 (hg19) VCF-style: chr18-19070185-C-T.
Other names: c.3032C>T, p.Ala1011Val (NM_001410867.1); c.2576C>T, p.Ala859Val (NM_001410868.1); short protein forms A859V, A1011V, A968V.
Identifiers: ClinVar variation 4983669 (VCV004983669.1).

ClinVar aggregate classification (germline): Likely pathogenic (1 of 4 stars; one submission).

Conditions:
GREB1L-related disorder. Also called: GREB1L-related condition.

Submission:

PreventionGenetics, part of Exact Sciences
Classification: Likely pathogenic for GREB1L-related condition. Last evaluated: 2024-12-20. Review status: criteria provided, single submitter. Criteria: ACMG Guidelines, 2015. Collection method: clinical testing. Allele origin: germline.
Comment: The GREB1L c.2903C>T variant is predicted to result in the amino acid substitution p.Ala968Val. This variant has been reported as de novo in a fetus with renal agenesis (Boissel et al. 2018. PubMed ID: 29261186). This variant has not been reported in a large population database (gnomAD), indicating this variant is rare. This variant is interpreted as likely pathogenic.